The following is an entry in ClinVar:

ClinVar aggregate classification (germline): Uncertain significance. Review status: criteria provided, single submitter (1 of 4 stars). 2 submissions from 2 submitters: Uncertain significance (1). 1 of the submissions does not count toward it. Last evaluated 2024-07-15.

Conditions:
RAD21-related disorder. Also called: RAD21-related condition; RAD21- Related disorders.
Cornelia de Lange syndrome 4 (CDLS4). Also called: CORNELIA DE LANGE SYNDROME 4 WITH OR WITHOUT MIDLINE BRAIN DEFECTS; RAD21-Related Cornelia de Lange Syndrome. Identifiers: Orphanet 199, MedGen C3553517, MONDO:0013864, OMIM 614701.

Submissions (2):

Labcorp Genetics (formerly Invitae), Labcorp
Classification: Uncertain significance for Cornelia de Lange syndrome 4. Last evaluated: 2024-07-15. Review status: criteria provided, single submitter. Criteria: Invitae Variant Classification Sherloc (09022015). Collection method: clinical testing. Allele origin: germline.
Comment: This sequence change replaces arginine, which is basic and polar, with lysine, which is basic and polar, at codon 405 of the RAD21 protein (p.Arg405Lys). This variant is present in population databases (rs776665791, gnomAD 0.003%). This variant has not been reported in the literature in individuals affected with RAD21-related conditions. Advanced modeling of protein sequence and biophysical properties (such as structural, functional, and spatial information, amino acid conservation, physicochemical variation, residue mobility, and thermodynamic stability) performed at Invitae indicates that this missense variant is not expected to disrupt RAD21 protein function with a negative predictive value of 80%. In summary, the available evidence is currently insufficient to determine the role of this variant in disease. Therefore, it has been classified as a Variant of Uncertain Significance.

PreventionGenetics, part of Exact Sciences
Classification: Uncertain significance for RAD21-related condition. Last evaluated: 2024-04-18. Review status: no assertion criteria provided. Collection method: clinical testing. Allele origin: germline. Not counted in ClinVar's aggregate classification.
Comment: The RAD21 c.1214G>A variant is predicted to result in the amino acid substitution p.Arg405Lys. To our knowledge, this variant has not been reported in the literature. This variant is reported in 0.0029% of alleles in individuals of Latino descent in gnomAD. At this time, the clinical significance of this variant is uncertain due to the absence of conclusive functional and genetic evidence.

NM_006265.3(RAD21):c.1214G>A (p.Arg405Lys)

Gene: RAD21 (RAD21 cohesin complex component; minus strand). Cytogenetic location: 8q24.11.
Variant type: single nucleotide variant.
Coding change: c.1214G>A on transcript NM_006265.3 (MANE Select); coding-DNA position 1214, G replaced by A.
Protein change: p.Arg405Lys; replaces arginine 405 with lysine.
Molecular consequence: missense variant.
Genome position (GRCh38, 1-based): chr8:116,852,656, C>T on the plus strand (G>A on the coding strand, the complement: RAD21 is on the minus strand). VCF-style: chr8-116852656-C-T. GRCh37 (hg19) VCF-style: chr8-117864895-C-T.
Other names: short protein forms R405K.
Identifiers: ClinVar variation 3350544 (VCV003350544.3).
Genomic context (GRCh38, chr8:116,852,656, plus strand): 5'-ACCTCTGGATTTTCAAATTCTTTGAGGAATTCATCCAAATTATCTGCCTCTCCTCCTTTC[C>T]TCCTTTTTCTAAGGTCTTCTGGTACAAGCGGTGTAAGACAGCGTGTAAAGAGCTATTAAA-3'
Protein context (NP_006256.1, residues 395-415): PLVPEDLRKR[Arg405Lys]KGGEADNLDE